The following is an entry in ClinVar:

ClinVar aggregate classification (germline): Uncertain significance. Review status: criteria provided, multiple submitters, no conflicts (2 of 4 stars). 2 submissions from 2 submitters: Uncertain significance (2). Last evaluated 2023-12-25.

Conditions:
Hereditary spastic paraplegia 31. Also called: SPASTIC PARAPLEGIA 31, AUTOSOMAL DOMINANT. Identifiers: Orphanet 101011, MedGen C1853247, MONDO:0012453, OMIM 610250.

Submissions (2):

Labcorp Genetics (formerly Invitae), Labcorp
Classification: Uncertain significance for Hereditary spastic paraplegia 31. Last evaluated: 2023-12-25. Review status: criteria provided, single submitter. Criteria: Invitae Variant Classification Sherloc (09022015). Collection method: clinical testing. Allele origin: germline.
Comment: This sequence change replaces lysine, which is basic and polar, with arginine, which is basic and polar, at codon 90 of the REEP1 protein (p.Lys90Arg). This variant is not present in population databases (gnomAD no frequency). This variant has not been reported in the literature in individuals affected with REEP1-related conditions. ClinVar contains an entry for this variant (Variation ID: 1977620). An algorithm developed to predict the effect of missense changes on protein structure and function (PolyPhen-2) suggests that this variant is likely to be disruptive. In summary, the available evidence is currently insufficient to determine the role of this variant in disease. Therefore, it has been classified as a Variant of Uncertain Significance.

CeGaT Center for Human Genetics Tuebingen
Classification: Uncertain significance. Last evaluated: 2023-02-01. Review status: criteria provided, single submitter. Criteria: CeGaT Center For Human Genetics Tuebingen Variant Classification Criteria Version 2. Collection method: clinical testing. Allele origin: germline. Affected: yes. Observed: 1 variant allele.
Comment: REEP1: PM2

NM_001371279.1(REEP1):c.269A>G (p.Lys90Arg)

Gene: REEP1 (receptor accessory protein 1; minus strand). Cytogenetic location: 2p11.2.
Variant type: single nucleotide variant.
Coding change: c.269A>G on transcript NM_001371279.1 (MANE Select); coding-DNA position 269, A replaced by G.
Protein change: p.Lys90Arg; replaces lysine 90 with arginine.
Molecular consequence: missense variant. On other transcripts: intron variant (1).
Genome position (GRCh38, 1-based): chr2:86,254,728, T>C on the plus strand (A>G on the coding strand, the complement: REEP1 is on the minus strand). VCF-style: chr2-86254728-T-C. GRCh37 (hg19) VCF-style: chr2-86481851-T-C.
Other names: c.290A>G, p.Lys97Arg (NM_001164730.2); c.188A>G, p.Lys63Arg (NM_001164731.2); c.269A>G, p.Lys90Arg (NM_001371280.1, NM_001410855.1, NM_001410856.1 and 1 more transcripts); c.182+9237A>G (NM_001164732.2); short protein forms K63R, K90R, K97R.
Identifiers: ClinVar variation 1977620 (VCV001977620.29), dbSNP rs1360820181, ClinGen allele CA347717148.